The following is an entry in ClinVar:

NM_001354930.2(RIPK1):c.544A>G (p.Thr182Ala)

Gene: RIPK1 (receptor interacting serine/threonine kinase 1; plus strand). Cytogenetic location: 6p25.2.
Variant type: single nucleotide variant.
Coding change: c.544A>G on transcript NM_001354930.2 (MANE Select); coding-DNA position 544, A replaced by G.
Protein change: p.Thr182Ala; replaces threonine 182 with alanine.
Molecular consequence: missense variant.
Genome position (GRCh38, 1-based): chr6:3,083,169, A>G. VCF-style: chr6-3083169-A-G. GRCh37 (hg19) VCF-style: chr6-3083403-A-G.
Other names: c.55A>G, p.Thr19Ala (NM_001317061.3, NM_001354932.2, NM_001354933.2 and 1 more transcripts); c.406A>G, p.Thr136Ala (NM_001354931.2); c.544A>G, p.Thr182Ala (NM_003804.6); c.544A>G (NM_003804.3); short protein forms T136A, T182A, T19A.
Identifiers: ClinVar variation 2143682 (VCV002143682.5), dbSNP rs1213916915, ClinGen allele CA362579126.

ClinVar aggregate classification (germline): Uncertain significance. Review status: criteria provided, multiple submitters, no conflicts (2 of 4 stars). 2 submissions from 2 submitters: Uncertain significance (2). Last evaluated 2023-12-17.

Conditions:
Inborn genetic diseases. Identifiers: MedGen C0950123, MeSH D030342.

Allele frequency attached by ClinVar (database versions not stated): TOPMed below 0.00001.
gnomAD v4.1: 1 of 1,614,100 alleles (0.000062%); no homozygotes.

Submissions (2):

Ambry Genetics
Classification: Uncertain significance for Inborn genetic diseases. Last evaluated: 2023-12-17. Review status: criteria provided, single submitter. Criteria: Ambry Variant Classification Scheme 2023. Collection method: clinical testing. Allele origin: germline.

Labcorp Genetics (formerly Invitae), Labcorp
Classification: Uncertain significance. Last evaluated: 2021-12-22. Review status: criteria provided, single submitter. Criteria: Invitae Variant Classification Sherloc (09022015). Collection method: clinical testing. Allele origin: germline.
Comment: This sequence change replaces threonine, which is neutral and polar, with alanine, which is neutral and non-polar, at codon 182 of the RIPK1 protein (p.Thr182Ala). This variant is not present in population databases (gnomAD no frequency). This variant has not been reported in the literature in individuals affected with RIPK1-related conditions. Algorithms developed to predict the effect of missense changes on protein structure and function output the following: SIFT: "Not Available"; PolyPhen-2: "Benign"; Align-GVGD: "Not Available". The alanine amino acid residue is found in multiple mammalian species, which suggests that this missense change does not adversely affect protein function. In summary, the available evidence is currently insufficient to determine the role of this variant in disease. Therefore, it has been classified as a Variant of Uncertain Significance.